The following is an entry in ClinVar:

ClinVar aggregate classification (germline): Uncertain significance (1 of 4 stars; one submission).

Conditions:
RB1-related disorder. Also called: RB1-related condition.

Allele frequency attached by ClinVar (database versions not stated): gnomAD 0.00001; TOPMed 0.00001.
gnomAD v4.1: 1 of 152,198 alleles (0.00066%); highest among the groups gnomAD compares: African/African-American, 0.0024%; no homozygotes.

Submission:

PreventionGenetics, part of Exact Sciences
Classification: Uncertain significance for RB1-related condition. Last evaluated: 2022-09-22. Review status: criteria provided, single submitter. Criteria: ACMG Guidelines, 2015. Collection method: clinical testing. Allele origin: germline.
Comment: The RB1 c.2490-1403A>T variant is predicted to interfere with splicing. This variant is predicted to activate a strong cryptic donor site and may result in aberrant splicing (Alamut Visual v2.11).To our knowledge, this variant has not been reported in the literature or in a large population database, indicating this variant is rare. A nearby variant (c.2490-1398A>G) has been reported in individuals with retinoblastoma and activates a cryptic splice site (Dehainault. 2007. PubMed ID: 17299438). However, the use of computer prediction programs is not equivalent to functional evidence, and therefore the clinical significance of this variant is uncertain.

NM_000321.3(RB1):c.2490-1403A>T

Gene: RB1 (RB transcriptional corepressor 1; plus strand). Cytogenetic location: 13q14.2.
Variant type: single nucleotide variant.
Coding change: c.2490-1403A>T on transcript NM_000321.3 (MANE Select); 1403 bases into the intron before coding-DNA position 2490, A replaced by T.
Molecular consequence: intron variant.
Genome position (GRCh38, 1-based): chr13:48,471,957, A>T. VCF-style: chr13-48471957-A-T. GRCh37 (hg19) VCF-style: chr13-49046093-A-T.
Other names: c.2490-1403A>T (NM_001407165.1).
Identifiers: ClinVar variation 2637298 (VCV002637298.1), dbSNP rs1330481488, ClinGen allele CA698688340.